The following is an entry in ClinVar:

NM_018297.4(NGLY1):c.173del (p.Asn58fs)

Gene: NGLY1 (N-glycanase 1; minus strand). Cytogenetic location: 3p24.2.
Variant type: Deletion.
Coding change: c.173del on transcript NM_018297.4 (MANE Select); coding-DNA position 173, one base deleted (A; older notation c.173delA).
Protein change: p.Asn58fs; shifts the reading frame from asparagine 58.
Molecular consequence: frameshift variant.
Genome position (GRCh38, 1-based): chr3:25,778,647, T deleted on the plus strand (A on the coding strand, the reverse complement: NGLY1 is on the minus strand); the first of 3 consecutive T bases (chr3:25,778,647-25,778,649); deleting any one gives the same sequence. VCF-style (leftmost placement, unchanged base first): chr3-25778646-GT-G. GRCh37 (hg19) VCF-style: chr3-25820137-GT-G.
Other names: c.173del, p.Asn58fs (NM_001145293.2, NM_001145295.2); c.47del, p.Asn16fs (NM_001145294.2); short protein forms N16fs, N58fs.
Identifiers: ClinVar variation 2732451 (VCV002732451.3), dbSNP rs2470752384, ClinGen allele CA2577532404.

ClinVar aggregate classification (germline): Pathogenic (1 of 4 stars; one submission).

Conditions:
Congenital disorder of deglycosylation (CDDG). Identifiers: MedGen C3808991, MONDO:0031376.

Submission:

Labcorp Genetics (formerly Invitae), Labcorp
Classification: Pathogenic for Congenital disorder of deglycosylation. Last evaluated: 2023-06-29. Review status: criteria provided, single submitter. Criteria: Invitae Variant Classification Sherloc (09022015). Collection method: clinical testing. Allele origin: germline.
Comment: This sequence change creates a premature translational stop signal (p.Asn58Thrfs*47) in the NGLY1 gene. It is expected to result in an absent or disrupted protein product. Loss-of-function variants in NGLY1 are known to be pathogenic (PMID: 24651605). This variant is not present in population databases (gnomAD no frequency). This variant has not been reported in the literature in individuals affected with NGLY1-related conditions. For these reasons, this variant has been classified as Pathogenic.

Literature cited by the submitters: PubMed 24651605.